The following is an entry in ClinVar:

NM_020433.5(JPH2):c.547C>G (p.Pro183Ala)

Gene: JPH2 (junctophilin 2; minus strand). Cytogenetic location: 20q13.12.
Variant type: single nucleotide variant.
Coding change: c.547C>G on transcript NM_020433.5 (MANE Select); coding-DNA position 547, C replaced by G.
Protein change: p.Pro183Ala; replaces proline 183 with alanine.
Molecular consequence: missense variant.
Genome position (GRCh38, 1-based): chr20:44,160,240, G>C on the plus strand (C>G on the coding strand, the complement: JPH2 is on the minus strand). VCF-style: chr20-44160240-G-C. GRCh37 (hg19) VCF-style: chr20-42788880-G-C.
Other names: short protein forms P183A.
Identifiers: ClinVar variation 1747780 (VCV001747780.10), dbSNP rs938498462, ClinGen allele CA314629722.

ClinVar aggregate classification (germline): Conflicting classifications of pathogenicity. Review status: criteria provided, conflicting classifications (1 of 4 stars). 4 submissions from 4 submitters: Uncertain significance (3); Likely benign (1). Last evaluated 2025-10-13.

Conditions:
Cardiovascular phenotype. Identifiers: MedGen CN230736.
Hypertrophic cardiomyopathy 17. Identifiers: MedGen C3151264, MONDO:0013474, OMIM 613873.
Cardiomyopathy, dilated, 2E. Identifiers: MedGen C5561970, MONDO:0030366, OMIM 619492.
Hypertrophic cardiomyopathy. Also called: HYPERTROPHIC MYOCARDIOPATHY. Identifiers: Orphanet 217569, MedGen C0007194, MeSH D002312, MONDO:0005045, HP:0001639.

Allele frequency attached by ClinVar (database versions not stated): gnomAD 0.00002; TOPMed 0.00003.

Submissions (4):

Labcorp Genetics (formerly Invitae), Labcorp
Classification: Uncertain significance for Hypertrophic cardiomyopathy. Last evaluated: 2025-10-13. Review status: criteria provided, single submitter. Criteria: Invitae Variant Classification Sherloc (09022015). Collection method: clinical testing. Allele origin: germline.
Comment: This sequence change replaces proline, which is neutral and non-polar, with alanine, which is neutral and non-polar, at codon 183 of the JPH2 protein (p.Pro183Ala). This variant is not present in population databases (gnomAD no frequency). This variant has not been reported in the literature in individuals affected with JPH2-related conditions. ClinVar contains an entry for this variant (Variation ID: 1747780). An algorithm developed to predict the effect of missense changes on protein structure and function (PolyPhen-2) suggests that this variant is likely to be tolerated. In summary, the available evidence is currently insufficient to determine the role of this variant in disease. Therefore, it has been classified as a Variant of Uncertain Significance.

Molecular Diagnostic Laboratory for Inherited Cardiovascular Disease, Montreal Heart Institute
Classification: Likely benign. Last evaluated: 2025-04-09. Review status: criteria provided, single submitter. Criteria: ACMG Guidelines, 2015. Collection method: clinical testing. Allele origin: germline. Affected: no.
Comment: PM2, BP4, BP5

Ambry Genetics
Classification: Uncertain significance for Cardiovascular phenotype. Last evaluated: 2023-02-03. Review status: criteria provided, single submitter. Criteria: Ambry Variant Classification Scheme 2023. Collection method: clinical testing. Allele origin: germline.
Comment: The p.P183A variant (also known as c.547C>G), located in coding exon 2 of the JPH2 gene, results from a C to G substitution at nucleotide position 547. The proline at codon 183 is replaced by alanine, an amino acid with highly similar properties. This amino acid position is well conserved in available vertebrate species. In addition, this alteration is predicted to be tolerated by in silico analysis. Since supporting evidence is limited at this time, the clinical significance of this alteration remains unclear.

Center for Genomics, Ann and Robert H. Lurie Children's Hospital of Chicago
Classification: Uncertain significance for Cardiomyopathy, dilated, 2E; Hypertrophic cardiomyopathy 17. Review status: criteria provided, single submitter. Criteria: ACMG Guidelines, 2015. Collection method: clinical testing. Allele origin: germline.
Comment: JPH2 NM_020433.4 exon 2 p.Pro183Ala (c.547C>G): This variant has not been reported in the literature and is not present in large control databases. This variant amino acid Alanine (Ala) is conserved in mammals but is present in 4 species (Saker falcon, Peregrine Falcon, Painted turtle, Green Seaturtle); this suggests that this variant may not impact the protein. Additional computational prediction tools do not suggest an impact. In summary, data on this variant is insufficient for disease classification. Therefore, the clinical significance of this variant is uncertain.